The following is an entry in ClinVar:

ClinVar aggregate classification (germline): Conflicting classifications of pathogenicity. Review status: criteria provided, conflicting classifications (1 of 4 stars). 3 submissions from 3 submitters: Uncertain significance (2); Likely benign (1). Last evaluated 2024-10-05.

Conditions:
Lynch syndrome. Identifiers: Orphanet 144, MedGen C4552100, MONDO:0005835. Disease mechanism: loss of function.
Hereditary cancer-predisposing syndrome. Also called: Neoplastic Syndromes, Hereditary; Tumor predisposition; Hereditary Cancer Syndrome; Hereditary neoplastic syndrome. Identifiers: Orphanet 140162, MedGen C0027672, MeSH D009386, MONDO:0015356.

Allele frequency attached by ClinVar (database versions not stated): gnomAD exomes below 0.00001; ExAC 0.00001.
gnomAD v4.1: 4 of 1,614,054 alleles (0.00025%); highest among the groups gnomAD compares: South Asian, 0.0044%; no homozygotes.

Submissions (3):

Ambry Genetics
Classification: Likely benign for Hereditary cancer-predisposing syndrome. Last evaluated: 2024-10-05. Review status: criteria provided, single submitter. Criteria: Ambry Variant Classification Scheme 2023. Collection method: clinical testing. Allele origin: germline.

All of Us Research Program, National Institutes of Health
Classification: Uncertain significance for Lynch syndrome. Last evaluated: 2024-03-05. Review status: criteria provided, single submitter. Criteria: ACMG Guidelines, 2015. Collection method: clinical testing. Allele origin: germline. Inheritance: Autosomal dominant inheritance. Observed: 1 variant allele, 1 heterozygote.
Comment: This study involves interpretation of variants in research participants for the purpose of population health screening. Participant phenotype was not available at the time of variant classification. Additional details can be found in publication PMID: 35346344, PMCID: PMC8962531

Color Diagnostics, LLC DBA Color Health
Classification: Uncertain significance for Hereditary cancer-predisposing syndrome. Last evaluated: 2019-01-29. Review status: criteria provided, single submitter. Criteria: ACMG Guidelines, 2015. Collection method: clinical testing. Allele origin: germline.

NM_000535.7(PMS2):c.1570C>T (p.Pro524Ser)

Gene: PMS2 (PMS1 homolog 2, mismatch repair system component; minus strand). Cytogenetic location: 7p22.1.
Variant type: single nucleotide variant.
Coding change: c.1570C>T on transcript NM_000535.7 (MANE Select); coding-DNA position 1570, C replaced by T.
Protein change: p.Pro524Ser; replaces proline 524 with serine.
Molecular consequence: missense variant. On other transcripts: non-coding transcript variant (1).
Genome position (GRCh38, 1-based): chr7:5,987,195, G>A on the plus strand (C>T on the coding strand, the complement: PMS2 is on the minus strand). VCF-style: chr7-5987195-G-A. GRCh37 (hg19) VCF-style: chr7-6026826-G-A.
Other names: c.1165C>T, p.Pro389Ser (NM_001322003.2, NM_001322004.2, NM_001322005.2 and 1 more transcripts); c.1414C>T, p.Pro472Ser (NM_001322006.2); c.1252C>T, p.Pro418Ser (NM_001322007.2, NM_001322008.2); c.1009C>T, p.Pro337Ser (NM_001322010.2); c.637C>T, p.Pro213Ser (NM_001322011.2, NM_001322012.2); c.997C>T, p.Pro333Ser (NM_001322013.2); c.1570C>T, p.Pro524Ser (NM_001322014.2); c.1261C>T, p.Pro421Ser (NM_001322015.2); short protein forms P213S, P524S, P337S, P418S, P421S, P472S, P333S, P389S.
Identifiers: ClinVar variation 922120 (VCV000922120.6), dbSNP rs756127972, ClinGen allele CA044470.